The following is an entry in ClinVar:

ClinVar aggregate classification (germline): Uncertain significance. Review status: criteria provided, multiple submitters, no conflicts (2 of 4 stars). 3 submissions from 3 submitters: Uncertain significance (3). Last evaluated 2026-09-03.

Conditions:
Cohen syndrome (COH1). Also called: Cutis verticis gyrata, retinitis pigmentosa, and sensorineural deafness; PEPPER SYNDROME. Identifiers: Orphanet 193, MedGen C0265223, MONDO:0008999, OMIM 216550.
VPS13B-related disorder. Also called: VPS13B-related condition.
Inborn genetic diseases. Identifiers: MedGen C0950123, MeSH D030342.

Allele frequency attached by ClinVar (database versions not stated): TOPMed below 0.00001; ExAC 0.00001; gnomAD 0.00001; gnomAD exomes 0.00001.
gnomAD v4.1: 10 of 1,613,988 alleles (0.00062%); highest among the groups gnomAD compares: Non-Finnish European, 0.00051%; no homozygotes.

Submissions (3):

PreventionGenetics, part of Exact Sciences
Classification: Uncertain significance for VPS13B-related condition. Last evaluated: 2026-09-03. Review status: criteria provided, single submitter. Criteria: ACMG Guidelines, 2015. Collection method: clinical testing. Allele origin: germline.
Comment: The VPS13B c.6566T>G variant is predicted to result in the amino acid substitution p.Leu2189Arg. To our knowledge, this variant has not been reported in the literature. This variant is reported in 0.012% of alleles in individuals of European (Finnish) descent in gnomAD. At this time, the clinical significance of this variant is uncertain due to the absence of conclusive functional and genetic evidence.

Ambry Genetics
Classification: Uncertain significance for Inborn genetic diseases. Last evaluated: 2023-04-28. Review status: criteria provided, single submitter. Criteria: Ambry Variant Classification Scheme 2023. Collection method: clinical testing. Allele origin: germline.

Labcorp Genetics (formerly Invitae), Labcorp
Classification: Uncertain significance for Cohen syndrome. Last evaluated: 2022-10-04. Review status: criteria provided, single submitter. Criteria: Invitae Variant Classification Sherloc (09022015). Collection method: clinical testing. Allele origin: germline.
Comment: This sequence change replaces leucine, which is neutral and non-polar, with arginine, which is basic and polar, at codon 2214 of the VPS13B protein (p.Leu2214Arg). This variant is present in population databases (rs768005455, gnomAD 0.01%). This variant has not been reported in the literature in individuals affected with VPS13B-related conditions. Advanced modeling of protein sequence and biophysical properties (such as structural, functional, and spatial information, amino acid conservation, physicochemical variation, residue mobility, and thermodynamic stability) performed at Invitae indicates that this missense variant is expected to disrupt VPS13B protein function. In summary, the available evidence is currently insufficient to determine the role of this variant in disease. Therefore, it has been classified as a Variant of Uncertain Significance.

NM_152564.5(VPS13B):c.6566T>G (p.Leu2189Arg)

Gene: VPS13B (vacuolar protein sorting 13 homolog B; plus strand). Cytogenetic location: 8q22.2.
Variant type: single nucleotide variant.
Coding change: c.6566T>G on transcript NM_152564.5 (MANE Select); coding-DNA position 6566, T replaced by G.
Protein change: p.Leu2189Arg; replaces leucine 2189 with arginine.
Molecular consequence: missense variant.
Genome position (GRCh38, 1-based): chr8:99,717,282, T>G. VCF-style: chr8-99717282-T-G. GRCh37 (hg19) VCF-style: chr8-100729510-T-G.
Other names: c.6641T>G (NM_017890.3); c.6641T>G, p.Leu2214Arg (NM_017890.5); short protein forms L2189R, L2214R.
Identifiers: ClinVar variation 2045182 (VCV002045182.4), dbSNP rs768005455, ClinGen allele CA4824030.
Genomic context (GRCh38, chr8:99,717,282, plus strand): 5'-AAACAAGTCTCAAAGAAAGAAGCCGCATTCTGATAGGACCATGTTGTGCTACTGCCAATC[T>G]GGAAGCTAAGTGGTGTAAACACAGCGGGAATCCAGGCCCAGAACAATCCATACCAAAAAT-3'
Protein context (NP_689777.3, residues 2179-2199): LIGPCCATAN[Leu2189Arg]EAKWCKHSGN